The following is an entry in ClinVar:

ClinVar aggregate classification (germline): Likely pathogenic. Review status: reviewed by expert panel (3 of 4 stars). 3 submissions from 3 submitters: Likely pathogenic (1). 2 of the submissions do not count toward it. Last evaluated 2026-10-05.

Conditions:
Hereditary thrombocytopenia and hematological cancer predisposition syndrome associated with RUNX1. Also called: PLATELET DISORDER, ASPIRIN-LIKE; Familial Platelet Disorder with Propensity to Acute Myelogenous Leukemia; Familial thrombocytopenia with propensity to acute myelogenous leukemia; RUNX1 Familial Platelet Disorder with Associated Myeloid Malignancies. Identifiers: Orphanet 71290, MedGen C1832388, MeSH C563324, MONDO:0100083, OMIM 601399.
Hereditary thrombocytopenia and hematologic cancer predisposition syndrome. Identifiers: Orphanet 71290, MedGen CN281654, MONDO:0011071.

Submissions (4):

ClinGen Myeloid Malignancy Variant Curation Expert Panel
Classification: Likely pathogenic for Hereditary thrombocytopenia and hematologic cancer predisposition syndrome. Last evaluated: 2026-10-05. Review status: reviewed by expert panel. Criteria: ClinGen MyeloMalig ACMG Specifications V3.1. Collection method: curation. Allele origin: germline. Inheritance: Autosomal dominant inheritance.
Comment: NM_001754.5(RUNX1):c.351+2T>C is a canonical splice site variant which is predicted to result in exon 4 skipping (PVS1). This variant is completely absent from all population databases with at least 20x coverage for RUNX1 (PM2_Supporting). In summary, this variant meets criteria to be classified as likely pathogenic. ACMG/AMP criteria applied, as specified by the Myeloid Malignancy Variant Curation Expert Panel for RUNX1: PVS1, PM2_supporting.

GeneDx
Classification: Pathogenic. Last evaluated: 2025-07-30. Review status: criteria provided, single submitter. Criteria: GeneDx Variant Classification Process June 2021. Collection method: clinical testing. Allele origin: germline. Affected: yes. Not counted in ClinVar's aggregate classification.
Comment: Canonical splice site variant predicted to result in a null allele in a gene for which loss of function is a known mechanism of disease; Not observed at significant frequency in large population cohorts (gnomAD); Has not been previously published as pathogenic or benign to our knowledge

Labcorp Genetics (formerly Invitae), Labcorp
Classification: Pathogenic for Hereditary thrombocytopenia and hematological cancer predisposition syndrome associated with RUNX1. Last evaluated: 2022-11-09. Review status: criteria provided, single submitter. Criteria: Invitae Variant Classification Sherloc (09022015). Collection method: clinical testing. Allele origin: germline. Not counted in ClinVar's aggregate classification.
Comment: This sequence change affects a donor splice site in intron 4 of the RUNX1 gene. It is expected to disrupt RNA splicing. Variants that disrupt the donor or acceptor splice site typically lead to a loss of protein function (PMID: 16199547), and loss-of-function variants in RUNX1 are known to be pathogenic (PMID: 18723428, 24100448). This variant is not present in population databases (gnomAD no frequency). Disruption of this splice site has been observed in individual(s) with clinical features of RUNX1-related conditions (PMID: 27931139, 28240786). It has also been observed to segregate with disease in related individuals. Algorithms developed to predict the effect of sequence changes on RNA splicing suggest that this variant may disrupt the consensus splice site. For these reasons, this variant has been classified as Pathogenic.

Dr. Peter K. Rogan Lab, Western University
No classification provided (evidence only). Condition: Thyroid cancer, nonmedullary, 1. Review status: no classification provided. Collection method: in vitro. Allele origin: not applicable. Functional consequence: retained intron. Not counted in ClinVar's aggregate classification.

Literature cited by the submitters: PubMed 16199547 (cited by Labcorp Genetics (formerly Invitae), Labcorp); PubMed 18723428 (cited by Labcorp Genetics (formerly Invitae), Labcorp); PubMed 24100448 (cited by Labcorp Genetics (formerly Invitae), Labcorp); PubMed 27931139 (cited by Labcorp Genetics (formerly Invitae), Labcorp); PubMed 28240786 (cited by Labcorp Genetics (formerly Invitae), Labcorp).

NM_001754.5(RUNX1):c.351+2T>C

Gene: RUNX1 (RUNX family transcription factor 1; minus strand). Cytogenetic location: 21q22.12.
Variant type: single nucleotide variant.
Coding change: c.351+2T>C on transcript NM_001754.5 (MANE Select); the canonical splice donor site of the intron after coding-DNA position 351, T replaced by C.
Molecular consequence: splice donor variant.
Genome position (GRCh38, 1-based): chr21:34,886,841, A>G on the plus strand (T>C on the coding strand, the complement: RUNX1 is on the minus strand). VCF-style: chr21-34886841-A-G. GRCh37 (hg19) VCF-style: chr21-36259138-A-G.
Other names: c.270+2T>C (NM_001001890.3, NM_001122607.2).
Identifiers: ClinVar variation 2911507 (VCV002911507.7), dbSNP rs2057997150, ClinGen allele CA410203331.
Genomic context (GRCh38, chr21:34,886,841, plus strand): 5'-CGGATCTCCCCCGGCCTCGCCGGCCTCCGCCTGTCCTCCCACCACCCTCTCCGGGCCAGT[A>G]CCTTGAAAGCGATGGGCAGGGTCTTGTTGCAGCGCCAGTGCGTAGGCAGCACGGAGCAGA-3'